The following is an entry in ClinVar:

ClinVar aggregate classification (germline): Likely benign (1 of 4 stars; one submission).

Submission:

Women's Health and Genetics/Laboratory Corporation of America, LabCorp
Classification: Likely benign. Last evaluated: 2025-05-14. Review status: criteria provided, single submitter. Criteria: LabCorp Variant Classification Summary - May 2015. Collection method: clinical testing. Allele origin: germline.
Comment: Variant summary: SYN1 c.685-14C>A alters a nucleotide located at a position not widely known to affect splicing. Consensus agreement among computation tools predict no significant impact on normal splicing. However, these predictions have yet to be confirmed by functional studies. The variant was absent in 182849 control chromosomes. The available data on variant occurrences in the general population are insufficient to allow any conclusion about variant significance. To our knowledge, no occurrence of c.685-14C>A in individuals affected with SYN1-Related Disorders and no experimental evidence demonstrating its impact on protein function have been reported. No submitters have cited clinical-significance assessments for this variant to ClinVar. Based on the evidence outlined above, the variant was classified as likely benign.

NM_006950.3(SYN1):c.685-14C>A

Gene: SYN1 (synapsin I; minus strand). Cytogenetic location: Xp11.23.
Variant type: single nucleotide variant.
Coding change: c.685-14C>A on transcript NM_006950.3 (MANE Select); 14 bases into the intron before coding-DNA position 685, C replaced by A.
Molecular consequence: intron variant.
Genome position (GRCh38, 1-based): chrX:47,605,081, G>T on the plus strand (C>A on the coding strand, the complement: SYN1 is on the minus strand). VCF-style: chrX-47605081-G-T. GRCh37 (hg19) VCF-style: chrX-47464480-G-T.
Other names: c.685-14C>A (NM_133499.2).
Identifiers: ClinVar variation 3902200 (VCV003902200.1).
Genomic context (GRCh38, chrX:47,605,081, plus strand): 5'-AATTCTTCTGTCCCCAGTTTCTTATGCAGTCGAACCATCTGGGCAAACTATGAGAACCAG[G>T]AGAGCTGGGTCAGTGAGTCCTTCACCACGAATCTGTAAGTTTCTGAACACCCTCACTTCC-3'